The following is an entry in ClinVar:

ClinVar aggregate classification (germline): Uncertain significance (1 of 4 stars; one submission).

Conditions:
Hereditary cancer-predisposing syndrome. Also called: Neoplastic Syndromes, Hereditary; Tumor predisposition; Hereditary neoplastic syndrome; Hereditary Cancer Syndrome. Identifiers: Orphanet 140162, MedGen C0027672, MeSH D009386, MONDO:0015356.

Submission:

Ambry Genetics
Classification: Uncertain significance for Hereditary cancer-predisposing syndrome. Last evaluated: 2023-02-27. Review status: criteria provided, single submitter. Criteria: Ambry Variant Classification Scheme 2023. Collection method: clinical testing. Allele origin: germline.
Comment: The p.P2107H variant (also known as c.6320C>A), located in coding exon 10 of the BRCA2 gene, results from a C to A substitution at nucleotide position 6320. The proline at codon 2107 is replaced by histidine, an amino acid with similar properties. This amino acid position is conserved. In addition, this alteration is predicted to be tolerated by in silico analysis. Since supporting evidence is limited at this time, the clinical significance of this alteration remains unclear.

NM_000059.4(BRCA2):c.6320C>A (p.Pro2107His)

Gene: BRCA2 (BRCA2 DNA repair associated; plus strand). Cytogenetic location: 13q13.1.
Variant type: single nucleotide variant.
Coding change: c.6320C>A on transcript NM_000059.4 (MANE Select); coding-DNA position 6320, C replaced by A.
Protein change: p.Pro2107His; replaces proline 2107 with histidine.
Molecular consequence: missense variant. On other transcripts: non-coding transcript variant (1), intron variant (2).
Genome position (GRCh38, 1-based): chr13:32,340,675, C>A. VCF-style: chr13-32340675-C-A. GRCh37 (hg19) VCF-style: chr13-32914812-C-A.
Other names: c.6320C>A, p.Pro2107His (NM_001406719.1, NM_001406720.1); c.1910-3883C>A (NM_001406721.1); c.425-3883C>A (NM_001406722.1); short protein forms P2107H.
Identifiers: ClinVar variation 2451574 (VCV002451574.2), dbSNP rs2072552266, ClinGen allele CA387789063.
Genomic context (GRCh38, chr13:32,340,675, plus strand): 5'-GAACTGAGCATAGTCTTCACTATTCACCTACGTCTAGACAAAATGTATCAAAAATACTTC[C>A]TCGTGTTGATAAGAGAAACCCAGAGCACTGTGTAAACTCAGAAATGGAAAAAACCTGCAG-3'
Protein context (NP_000050.3, residues 2097-2117): TSRQNVSKIL[Pro2107His]RVDKRNPEHC